The following is an entry in ClinVar:

ClinVar aggregate classification (germline): Uncertain significance. Review status: criteria provided, multiple submitters, no conflicts (2 of 4 stars). 2 submissions from 2 submitters: Uncertain significance (2). Last evaluated 2024-12-04.

Submissions (2):

GeneDx
Classification: Uncertain significance. Last evaluated: 2024-12-04. Review status: criteria provided, single submitter. Criteria: GeneDx Variant Classification Process June 2021. Collection method: clinical testing. Allele origin: germline. Affected: yes.
Comment: Frameshift variant predicted to result in abnormal protein length as the last 425 amino acids are replaced with 107 different amino acids; Has not been previously published as pathogenic or benign to our knowledge

Labcorp Genetics (formerly Invitae), Labcorp
Classification: Uncertain significance. Last evaluated: 2022-01-20. Review status: criteria provided, single submitter. Criteria: Invitae Variant Classification Sherloc (09022015). Collection method: clinical testing. Allele origin: germline.
Comment: In summary, the available evidence is currently insufficient to determine the role of this variant in disease. Therefore, it has been classified as a Variant of Uncertain Significance. This premature translational stop signal has been observed in individual(s) with coloboma (Invitae). The frequency data for this variant in the population databases is considered unreliable, as metrics indicate poor data quality at this position in the gnomAD database. This sequence change creates a premature translational stop signal (p.Arg161Glnfs*108) in the FZD5 gene. While this is not anticipated to result in nonsense mediated decay, it is expected to disrupt the last 425 amino acid(s) of the FZD5 protein.

NM_003468.4(FZD5):c.480dup (p.Arg161fs)

Gene: FZD5 (frizzled class receptor 5; minus strand). Cytogenetic location: 2q33.3.
Variant type: Duplication.
Coding change: c.480dup on transcript NM_003468.4 (MANE Select); coding-DNA position 480, one base duplicated (C; older notation c.480dupC).
Protein change: p.Arg161fs; shifts the reading frame from arginine 161.
Molecular consequence: frameshift variant.
Genome position (GRCh38, 1-based): chr2:207,768,260, G duplicated on the plus strand (C on the coding strand, the reverse complement: FZD5 is on the minus strand); the first of 6 consecutive G bases (chr2:207,768,260-207,768,265); duplicating any one gives the same sequence. VCF-style (leftmost placement, unchanged base first): chr2-207768259-T-TG. GRCh37 (hg19) VCF-style: chr2-208632983-T-TG.
Other names: c.480dup (NM_003468.3); short protein forms R161fs.
Identifiers: ClinVar variation 2088361 (VCV002088361.5), dbSNP rs1413162495, ClinGen allele CA539388829.